The following is an entry in ClinVar:

NM_000540.3(RYR1):c.1985A>G (p.Tyr662Cys)

Gene: RYR1 (ryanodine receptor 1; plus strand). Cytogenetic location: 19q13.2.
Variant type: single nucleotide variant.
Coding change: c.1985A>G on transcript NM_000540.3 (MANE Select); coding-DNA position 1985, A replaced by G.
Protein change: p.Tyr662Cys; replaces tyrosine 662 with cysteine.
Molecular consequence: missense variant.
Genome position (GRCh38, 1-based): chr19:38,458,110, A>G. VCF-style: chr19-38458110-A-G. GRCh37 (hg19) VCF-style: chr19-38948750-A-G.
Other names: c.1985A>G, p.Tyr662Cys (NM_001042723.2); short protein forms Y662C.
Identifiers: ClinVar variation 590494 (VCV000590494.13), dbSNP rs1200789458, ClinGen allele CA405695675.

ClinVar aggregate classification (germline): Conflicting classifications of pathogenicity. Review status: criteria provided, conflicting classifications (1 of 4 stars). 3 submissions from 3 submitters: Likely pathogenic (1); Uncertain significance (2). Last evaluated 2024-11-04.

Conditions:
RYR1-related disorder. Also called: RYR1-related disorders; RYR1-related condition. Identifiers: MedGen CN239331.

Allele frequency attached by ClinVar (database versions not stated): gnomAD 0.00001 and 0.00002; TOPMed 0.00001.
gnomAD v4.1: 2 of 1,613,816 alleles (0.00012%); highest among the groups gnomAD compares: African/African-American, 0.0027%; no homozygotes.

Submissions (3):

GeneDx
Classification: Likely pathogenic. Last evaluated: 2024-11-04. Review status: criteria provided, single submitter. Criteria: GeneDx Variant Classification Process June 2021. Collection method: clinical testing. Allele origin: germline. Affected: yes.
Comment: Observed in a patient with presumed RYR1-related myopathy reported in the published literature, but clinical information and zygosity were not provided (PMID: 32236737); Not observed at significant frequency in large population cohorts (gnomAD); In silico analysis supports that this missense variant has a deleterious effect on protein structure/function; This variant is associated with the following publications: (PMID: 37937776, 32236737)

Labcorp Genetics (formerly Invitae), Labcorp
Classification: Uncertain significance for RYR1-related disorder. Last evaluated: 2022-03-03. Review status: criteria provided, single submitter. Criteria: Invitae Variant Classification Sherloc (09022015). Collection method: clinical testing. Allele origin: germline.
Comment: In summary, the available evidence is currently insufficient to determine the role of this variant in disease. Therefore, it has been classified as a Variant of Uncertain Significance. Advanced modeling of protein sequence and biophysical properties (such as structural, functional, and spatial information, amino acid conservation, physicochemical variation, residue mobility, and thermodynamic stability) performed at Invitae indicates that this missense variant is expected to disrupt RYR1 protein function. ClinVar contains an entry for this variant (Variation ID: 590494). This variant has not been reported in the literature in individuals affected with RYR1-related conditions. This variant is not present in population databases (gnomAD no frequency). This sequence change replaces tyrosine, which is neutral and polar, with cysteine, which is neutral and slightly polar, at codon 662 of the RYR1 protein (p.Tyr662Cys).

PreventionGenetics, part of Exact Sciences
Classification: Uncertain significance. Last evaluated: 2015-06-23. Review status: criteria provided, single submitter. Criteria: ACMG Guidelines, 2015. Collection method: clinical testing. Allele origin: germline.